The following is an entry in ClinVar:

NM_003200.5(TCF3):c.356G>A (p.Gly119Asp)

Gene: TCF3 (transcription factor 3; minus strand). Cytogenetic location: 19p13.3.
Variant type: single nucleotide variant.
Coding change: c.356G>A on transcript NM_003200.5 (MANE Select); coding-DNA position 356, G replaced by A.
Protein change: p.Gly119Asp; replaces glycine 119 with aspartic acid.
Molecular consequence: missense variant.
Genome position (GRCh38, 1-based): chr19:1,627,369, C>T on the plus strand (G>A on the coding strand, the complement: TCF3 is on the minus strand). VCF-style: chr19-1627369-C-T. GRCh37 (hg19) VCF-style: chr19-1627368-C-T.
Other names: c.356G>A, p.Gly119Asp (NM_001136139.4, NM_001351778.2, NM_001351779.2); short protein forms G119D.
Identifiers: ClinVar variation 4743032 (VCV004743032.1).
Genomic context (GRCh38, chr19:1,627,369, plus strand): 5'-CAGATTTGTTTAAAATCAAAATACACCCCAGCCCGGCCCGAGCCCCTCACCTGAGTCAGG[C>T]CGCCCACGCCTGCGTCTCTCCCGAAGGAGGCATAGGCGCCCCGCTCACCGCTCTTGCCTG-3'
Protein context (NP_003191.1, residues 109-129): ASFGRDAGVG[Gly119Asp]LTQAGFLSGE

ClinVar aggregate classification (germline): Uncertain significance (1 of 4 stars; one submission).

Submission:

Labcorp Genetics (formerly Invitae), Labcorp
Classification: Uncertain significance. Last evaluated: 2025-12-18. Review status: criteria provided, single submitter. Criteria: Invitae Variant Classification Sherloc (09022015). Collection method: clinical testing. Allele origin: germline.
Comment: This sequence change replaces glycine, which is neutral and non-polar, with aspartic acid, which is acidic and polar, at codon 119 of the TCF3 protein (p.Gly119Asp). This variant is not present in population databases (gnomAD no frequency). This variant has not been reported in the literature in individuals affected with TCF3-related conditions. Invitae Evidence Modeling of protein sequence and biophysical properties (such as structural, functional, and spatial information, amino acid conservation, physicochemical variation, residue mobility, and thermodynamic stability) has been performed for this missense variant. However, the output from this modeling did not meet the statistical confidence thresholds required to predict the impact of this variant on TCF3 protein function. In summary, the available evidence is currently insufficient to determine the role of this variant in disease. Therefore, it has been classified as a Variant of Uncertain Significance.